The following is an entry in ClinVar:

NM_181836.6(TMED7):c.658A>G (p.Thr220Ala)

Genes: TICAM2-AS1 (TICAM2 antisense RNA 1; plus strand), TMED7 (transmembrane p24 trafficking protein 7; minus strand), TMED7-TICAM2 (TMED7-TICAM2 readthrough; minus strand). Cytogenetic location: 5q22.3.
Variant type: single nucleotide variant.
Coding change: c.658A>G on transcript NM_181836.6 (MANE Select); coding-DNA position 658, A replaced by G.
Protein change: p.Thr220Ala; replaces threonine 220 with alanine.
Molecular consequence: missense variant. On other transcripts: intron variant (2).
Genome position (GRCh38, 1-based): chr5:115,616,226, T>C on the plus strand (A>G on the coding strand, the complement: TMED7 is on the minus strand). VCF-style: chr5-115616226-T-C. GRCh37 (hg19) VCF-style: chr5-114951923-T-C.
Other names: c.566+92A>G (NM_001164468.4, NM_001164469.4); short protein forms T220A.
Identifiers: ClinVar variation 3660634 (VCV003660634.2).

ClinVar aggregate classification (germline): Uncertain significance (1 of 4 stars; one submission).

gnomAD v4.1: 1 of 1,614,042 alleles (0.000062%); highest among the groups gnomAD compares: Non-Finnish European, 0.000085%; no homozygotes.

Submission:

Labcorp Genetics (formerly Invitae), Labcorp
Classification: Uncertain significance. Last evaluated: 2024-07-25. Review status: criteria provided, single submitter. Criteria: Invitae Variant Classification Sherloc (09022015). Collection method: clinical testing. Allele origin: germline.
Comment: This sequence change replaces threonine, which is neutral and polar, with alanine, which is neutral and non-polar, at codon 220 of the TMED7 protein (p.Thr220Ala). This variant is not present in population databases (gnomAD no frequency). This variant has not been reported in the literature in individuals affected with TMED7-related conditions. An algorithm developed to predict the effect of missense changes on protein structure and function (PolyPhen-2) suggests that this variant is likely to be disruptive. In summary, the available evidence is currently insufficient to determine the role of this variant in disease. Therefore, it has been classified as a Variant of Uncertain Significance.